The following is an entry in ClinVar:

NM_001164508.2(NEB):c.1925C>A (p.Thr642Lys)

Gene: NEB (nebulin; minus strand). Cytogenetic location: 2q23.3.
Variant type: single nucleotide variant.
Coding change: c.1925C>A on transcript NM_001164508.2 (MANE Select); coding-DNA position 1925, C replaced by A.
Protein change: p.Thr642Lys; replaces threonine 642 with lysine.
Molecular consequence: missense variant.
Genome position (GRCh38, 1-based): chr2:151,692,334, G>T on the plus strand (C>A on the coding strand, the complement: NEB is on the minus strand). VCF-style: chr2-151692334-G-T. GRCh37 (hg19) VCF-style: chr2-152548848-G-T.
Other names: c.1925C>A, p.Thr642Lys (NM_001164507.2, NM_001271208.2, NM_004543.5); short protein forms T642K.
Identifiers: ClinVar variation 1985705 (VCV001985705.1), dbSNP rs1374728018, ClinGen allele CA348824203.

ClinVar aggregate classification (germline): Uncertain significance (1 of 4 stars; one submission).

Conditions:
Nemaline myopathy 2 (NEM2). Also called: Nemaline myopathy 2, autosomal recessive. Identifiers: MedGen C1850569, MONDO:0009725, OMIM 256030.

gnomAD v4.1: 9 of 1,612,066 alleles (0.00056%); highest among the groups gnomAD compares: Non-Finnish European, 0.00076%; no homozygotes.

Submission:

Labcorp Genetics (formerly Invitae), Labcorp
Classification: Uncertain significance for Nemaline myopathy 2. Last evaluated: 2022-03-08. Review status: criteria provided, single submitter. Criteria: Invitae Variant Classification Sherloc (09022015). Collection method: clinical testing. Allele origin: germline.
Comment: This sequence change replaces threonine, which is neutral and polar, with lysine, which is basic and polar, at codon 642 of the NEB protein (p.Thr642Lys). This variant is not present in population databases (gnomAD no frequency). This variant has not been reported in the literature in individuals affected with NEB-related conditions. Algorithms developed to predict the effect of missense changes on protein structure and function are either unavailable or do not agree on the potential impact of this missense change (SIFT: "Deleterious"; PolyPhen-2: "Not Available"; Align-GVGD: "Class C0"). In summary, the available evidence is currently insufficient to determine the role of this variant in disease. Therefore, it has been classified as a Variant of Uncertain Significance.